The following is an entry in ClinVar:

ClinVar aggregate classification (germline): Pathogenic (1 of 4 stars; one submission).

Conditions:
Dilated cardiomyopathy 1J (CMD1J). Also called: CARDIOMYOPATHY, DILATED, WITH SENSORINEURAL HEARING LOSS, AUTOSOMAL DOMINANT. Identifiers: Orphanet 217622, MedGen C1854368, MONDO:0011541, OMIM 605362.

Submission:

Labcorp Genetics (formerly Invitae), Labcorp
Classification: Pathogenic for Dilated cardiomyopathy 1J. Last evaluated: 2025-09-22. Review status: criteria provided, single submitter. Criteria: Invitae Variant Classification Sherloc (09022015). Collection method: clinical testing. Allele origin: germline.
Comment: This sequence change creates a premature translational stop signal (p.Gln174*) in the EYA4 gene. It is expected to result in an absent or disrupted protein product. Loss-of-function variants in EYA4 are known to be pathogenic (PMID: 11159937, 25781927, 25963406). This variant is not present in population databases (gnomAD no frequency). This variant has not been reported in the literature in individuals affected with EYA4-related conditions. Algorithms developed to predict the effect of sequence changes on RNA splicing suggest that this variant may disrupt the consensus splice site. For these reasons, this variant has been classified as Pathogenic.

Literature cited by the submitters: PubMed 11159937; PubMed 25781927; PubMed 25963406.

NM_004100.5(EYA4):c.520C>T (p.Gln174Ter)

Gene: EYA4 (EYA transcriptional coactivator and phosphatase 4; plus strand). Cytogenetic location: 6q23.2.
Variant type: single nucleotide variant.
Coding change: c.520C>T on transcript NM_004100.5 (MANE Select); coding-DNA position 520, C replaced by T.
Protein change: p.Gln174Ter; replaces glutamine 174 with a stop codon.
Molecular consequence: nonsense.
Genome position (GRCh38, 1-based): chr6:133,462,417, C>T. VCF-style: chr6-133462417-C-T. GRCh37 (hg19) VCF-style: chr6-133783555-C-T.
Other names: c.358C>T, p.Gln120Ter (NM_001301012.2, NM_001370459.1); c.520C>T, p.Gln174Ter (NM_001301013.2, NM_172105.4); c.451C>T, p.Gln151Ter (NM_001370458.1, NM_172103.4); short protein forms Q151*, Q174*, Q120*.
Identifiers: ClinVar variation 4727590 (VCV004727590.1).
Genomic context (GRCh38, chr6:133,462,417, plus strand): 5'-ACACCAGCAGCTCAAACAATGTCTGCCTATGCAGGCCAGACTCAGTATTCGGGGATGCAG[C>T]AGCCAGCCGTCTACACAGCCTACTCACAGACAGGACAGCCCTACAGCTTGCCCACTTACG-3'